The following is an entry in ClinVar:

NM_001148.6(ANK2):c.90C>T (p.Asp30=)

Gene: ANK2 (ankyrin 2; plus strand). Cytogenetic location: 4q25.
Variant type: single nucleotide variant.
Coding change: c.90C>T on transcript NM_001148.6 (MANE Select); coding-DNA position 90, C replaced by T.
Protein change: p.Asp30=; no amino-acid change (aspartic acid 30 retained).
Molecular consequence: synonymous variant.
Genome position (GRCh38, 1-based): chr4:113,174,421, C>T. VCF-style: chr4-113174421-C-T. GRCh37 (hg19) VCF-style: chr4-114095577-C-T.
Other names: c.27C>T, p.Asp9= (NM_001386150.1, NM_001386151.1, NM_001386153.1 and 33 more transcripts); c.135C>T, p.Asp45= (NM_001386152.1, NM_001386144.1, NM_001354230.2 and 5 more transcripts); c.72C>T, p.Asp24= (NM_001386160.1, NM_001386147.1, NM_001354261.2); c.141C>T, p.Asp47= (NM_001386174.1, NM_001386175.1); c.78C>T, p.Asp26= (NM_001386186.2, NM_001386187.2, NM_001386148.2 and 1 more transcripts); c.90C>T, p.Asp30= (NM_020977.5, NM_001354225.2, NM_001354228.2 and 9 more transcripts).
Identifiers: ClinVar variation 4534598 (VCV004534598.6).
Genomic context (GRCh38, chr4:113,174,421, plus strand): 5'-GGATACATTTCTATTTCATCAATAGTTCATTAAAGGTCTTTTATTTTTCTCGCAGTCTGA[C>T]AGCAATGCAAGCTTCCTCCGTGCTGCCAGAGCAGGCAACCTGGACAAAGTTGTGGAATAT-3'
Protein context (NP_001139.3, residues 20-40): SQRRKRPKKS[Asp30=]SNASFLRAAR

ClinVar aggregate classification (germline): Likely benign (1 of 4 stars; one submission).

gnomAD v4.1: 1 of 1,612,028 alleles (0.000062%); highest among the groups gnomAD compares: Non-Finnish European, 0.000085%; no homozygotes.

Submission:

CeGaT Center for Human Genetics Tuebingen
Classification: Likely benign. Last evaluated: 2025-11-01. Review status: criteria provided, single submitter. Criteria: CeGaT Center For Human Genetics Tuebingen Variant Classification Criteria Version 2. Collection method: clinical testing. Allele origin: germline. Affected: yes. Observed: 1 variant allele.
Comment: ANK2: BP4, BP7